The following is an entry in ClinVar:

NM_006864.4(LILRB3):c.1292G>A (p.Gly431Glu)

Gene: LILRB3 (leukocyte immunoglobulin like receptor B3; minus strand). Cytogenetic location: 19q13.42.
Variant type: single nucleotide variant.
Coding change: c.1292G>A on transcript NM_006864.4 (MANE Select); coding-DNA position 1292, G replaced by A.
Protein change: p.Gly431Glu; replaces glycine 431 with glutamic acid.
Molecular consequence: missense variant. On other transcripts: non-coding transcript variant (4).
Genome position (GRCh38, 1-based): chr19:54,220,172, C>T on the plus strand (G>A on the coding strand, the complement: LILRB3 is on the minus strand). VCF-style: chr19-54220172-C-T. GRCh37 (hg19) VCF-style: chr19-54724042-C-T.
Other names: c.1292G>A, p.Gly431Glu (NM_001081450.3, NM_001320960.2); short protein forms G431E.
Identifiers: ClinVar variation 5023581 (VCV005023581.1).

ClinVar aggregate classification (germline): Uncertain significance (1 of 4 stars; one submission).

gnomAD v4.1: 36 of 1,498,870 alleles (0.0024%); highest among the groups gnomAD compares: African/African-American, 0.027%; no homozygotes.

Submission:

Ambry Genetics
Classification: Uncertain significance. Last evaluated: 2026-09-09. Review status: criteria provided, single submitter. Criteria: Ambry Variant Classification Scheme 2023. Collection method: clinical testing. Allele origin: germline.
Comment: The c.1292G>A (p.G431E) alteration is located in exon 7 (coding exon 7) of the LILRB3 gene. This alteration results from a G to A substitution at nucleotide position 1292, causing the glycine (G) at amino acid position 431 to be replaced by a glutamic acid (E). Based on data from gnomAD, the A allele has an overall frequency of 0.004% (6/156534) total alleles studied. The highest observed frequency was 0.022% (1/4616) of Other alleles. Based on insufficient or conflicting evidence, the clinical significance of this alteration remains unclear.